The following is an entry in ClinVar:

ClinVar aggregate classification (germline): Likely benign (0 of 4 stars; one submission).

Conditions:
EPHA3-related disorder. Also called: EPHA3-related condition.

Allele frequency attached by ClinVar (database versions not stated): gnomAD exomes 0.00008; ExAC 0.00023; ESP Exome Variant Server 0.00085; gnomAD 0.00089; 1000 Genomes Project 0.00100; TOPMed 0.00104; 1000 Genomes Project 30x 0.00125.
gnomAD v4.1: 254 of 1,614,142 alleles (0.016%); highest among the groups gnomAD compares: African/African-American, 0.31%; 1 homozygote.

Submission:

PreventionGenetics, part of Exact Sciences
Classification: Likely benign for EPHA3-related condition. Last evaluated: 2023-02-15. Review status: no assertion criteria provided. Collection method: clinical testing. Allele origin: germline.
Comment: This variant is classified as likely benign based on ACMG/AMP sequence variant interpretation guidelines (Richards et al. 2015 PMID: 25741868, with internal and published modifications).

NM_005233.6(EPHA3):c.892G>C (p.Glu298Gln)

Gene: EPHA3 (EPH receptor A3; plus strand). Cytogenetic location: 3p11.1.
Variant type: single nucleotide variant.
Coding change: c.892G>C on transcript NM_005233.6 (MANE Select); coding-DNA position 892, G replaced by C.
Protein change: p.Glu298Gln; replaces glutamic acid 298 with glutamine.
Molecular consequence: missense variant.
Genome position (GRCh38, 1-based): chr3:89,340,993, G>C. VCF-style: chr3-89340993-G-C. GRCh37 (hg19) VCF-style: chr3-89390143-G-C.
Other names: c.892G>C, p.Glu298Gln (NM_001410778.1, NM_182644.3); short protein forms E298Q.
Identifiers: ClinVar variation 3051553 (VCV003051553.2), dbSNP rs142109561, ClinGen allele CA2502374.